The following is an entry in ClinVar:

NM_002291.3(LAMB1):c.2723T>C (p.Ile908Thr)

Gene: LAMB1 (laminin subunit beta 1; minus strand). Cytogenetic location: 7q31.1.
Variant type: single nucleotide variant.
Coding change: c.2723T>C on transcript NM_002291.3 (MANE Select); coding-DNA position 2723, T replaced by C.
Protein change: p.Ile908Thr; replaces isoleucine 908 with threonine.
Molecular consequence: missense variant.
Genome position (GRCh38, 1-based): chr7:107,955,598, A>G on the plus strand (T>C on the coding strand, the complement: LAMB1 is on the minus strand). VCF-style: chr7-107955598-A-G. GRCh37 (hg19) VCF-style: chr7-107596043-A-G.
Other names: short protein forms I908T.
Identifiers: ClinVar variation 709400 (VCV000709400.21), dbSNP rs139487685, ClinGen allele CA4435541.

ClinVar aggregate classification (germline): Conflicting classifications of pathogenicity. Review status: criteria provided, conflicting classifications (1 of 4 stars). 5 submissions from 5 submitters: Uncertain significance (3); Benign (1); Likely benign (1). Last evaluated 2026-01-19.

Conditions:
LAMB1-related disorder. Also called: LAMB1-related condition.
Cobblestone lissencephaly without muscular or ocular involvement. Also called: LEUKOENCEPHALOPATHY WITH VARIABLE CORTICAL BRAIN MALFORMATIONS AND/OR HYDROCEPHALUS; Lissencephaly 5. Identifiers: Orphanet 352682, MedGen C3554657, MONDO:0014077, OMIM 615191.

Allele frequency attached by ClinVar (database versions not stated): 1000 Genomes Project 30x 0.00031; 1000 Genomes Project 0.00040; ExAC 0.00072; gnomAD exomes 0.00090 and 0.00189; TOPMed 0.00105; gnomAD 0.00121; ESP Exome Variant Server 0.00138.
gnomAD v4.1: 2,899 of 1,613,816 alleles (0.18%); highest among the groups gnomAD compares: Non-Finnish European, 0.23%; 3 homozygotes.

Submissions (5):

Labcorp Genetics (formerly Invitae), Labcorp
Classification: Benign. Last evaluated: 2026-01-19. Review status: criteria provided, single submitter. Criteria: Invitae Variant Classification Sherloc (09022015). Collection method: clinical testing. Allele origin: germline.

PreventionGenetics, part of Exact Sciences
Classification: Likely benign for LAMB1-related condition. Last evaluated: 2024-12-18. Review status: criteria provided, single submitter. Criteria: ACMG Guidelines, 2015. Collection method: clinical testing. Allele origin: germline.
Comment: This variant is classified as likely benign based on ACMG/AMP sequence variant interpretation guidelines (Richards et al. 2015 PMID: 25741868, with internal and published modifications).

GeneDx
Classification: Uncertain significance. Last evaluated: 2024-04-15. Review status: criteria provided, single submitter. Criteria: GeneDx Variant Classification Process June 2021. Collection method: clinical testing. Allele origin: germline. Affected: yes.
Comment: In silico analysis supports that this missense variant has a deleterious effect on protein structure/function; Has not been previously published as pathogenic or benign to our knowledge; This variant is associated with the following publications: (PMID: 23472759)

Revvity Omics, Revvity
Classification: Uncertain significance for Cobblestone lissencephaly without muscular or ocular involvement. Last evaluated: 2020-12-10. Review status: criteria provided, single submitter. Criteria: ACMG Guidelines, 2015. Collection method: clinical testing. Allele origin: germline.

Baylor Genetics
Classification: Uncertain significance for Cobblestone lissencephaly without muscular or ocular involvement. Last evaluated: 2018-08-21. Review status: criteria provided, single submitter. Criteria: ACMG Guidelines, 2015. Collection method: clinical testing. Allele origin: paternal. Affected: yes.
Comment: This variant was determined to be of uncertain significance according to ACMG Guidelines, 2015 [PMID:25741868].